The following is an entry in ClinVar:

ClinVar aggregate classification (germline): Uncertain significance (1 of 4 stars; one submission).

Conditions:
Abetalipoproteinaemia (ABL). Also called: Abetalipoproteinemia; Abetalipoproteinemia neuropathy; Apolipoprotein B deficiency; Congenital betalipoprotein deficiency syndrome; MTP DEFICIENCY. Identifiers: Orphanet 14, MedGen C0000744, MONDO:0008692, OMIM 200100, HP:0008181.

Submission:

Myriad Genetics, Inc.
Classification: Uncertain significance for Abetalipoproteinaemia. Last evaluated: 2026-01-30. Review status: criteria provided, single submitter. Criteria: Myriad Autosomal Dominant, Autosomal Recessive and X-Linked Classification Criteria (2023). Collection method: clinical testing. Allele origin: unknown.
Comment: NM_000253.2(MTTP):c.1026_1028dupAGA(E343dup) is an in-frame insertion classified as a variant of uncertain significance in the context of abetalipoproteinemia. E343dup has not been observed in cases with relevant disease. Relevant functional assessments of this variant are not available in the literature. E343dup has been observed in referenced population frequency databases. In summary, there is insufficient evidence to classify NM_000253.2(MTTP):c.1026_1028dupAGA(E343dup) as pathogenic or benign. Please note: this variant was assessed in the context of healthy population screening.

NM_001386140.1(MTTP):c.1023AGA[3] (p.Glu343_Ile344insGlu)

Gene: MTTP (microsomal triglyceride transfer protein; plus strand). Cytogenetic location: 4q23.
Variant type: Microsatellite.
Coding change: c.1023AGA[3] on transcript NM_001386140.1 (MANE Select); three copies in a row of the 3-base unit AGA starting at c.1023; the reference has two copies in a row; one copy, 3 bases duplicated.
Protein change: p.Glu343_Ile344insGlu.
Molecular consequence: inframe insertion.
Genome position (GRCh38, 1-based): chr4:99,597,183-99,597,185, AGA duplicated; duplicating any 3 consecutive bases within chr4:99,597,179-99,597,185 gives the same sequence; the position shown is the placement nearest the transcript's 3' end. VCF-style (leftmost placement, unchanged base first): chr4-99597178-A-AAAG. GRCh37 (hg19) VCF-style: chr4-100518335-A-AAAG.
Other names: c.1023AGA[3], p.Glu343_Ile344insGlu (NM_000253.4); c.774AGA[3], p.Glu260_Ile261insGlu (NM_001300785.2).
Identifiers: ClinVar variation 5003549 (VCV005003549.1).